The following is an entry in ClinVar:

ClinVar aggregate classification (germline): Uncertain significance (1 of 4 stars; one submission).

gnomAD v4.1: 17 of 1,536,228 alleles (0.0011%); highest among the groups gnomAD compares: Non-Finnish European, 0.0014%; no homozygotes.

Submission:

GeneDx
Classification: Uncertain significance. Last evaluated: 2023-10-24. Review status: criteria provided, single submitter. Criteria: GeneDx Variant Classification Process June 2021. Collection method: clinical testing. Allele origin: germline. Affected: yes.
Comment: Not observed at significant frequency in large population cohorts (gnomAD); In silico analysis supports that this missense variant does not alter protein structure/function; Has not been previously published as pathogenic or benign to our knowledge

NM_001378183.1(PIEZO2):c.1287C>G (p.Ile429Met)

Gene: PIEZO2 (piezo type mechanosensitive ion channel component 2; minus strand). Cytogenetic location: 18p11.22.
Variant type: single nucleotide variant.
Coding change: c.1287C>G on transcript NM_001378183.1 (MANE Select); coding-DNA position 1287, C replaced by G.
Protein change: p.Ile429Met; replaces isoleucine 429 with methionine.
Molecular consequence: missense variant.
Genome position (GRCh38, 1-based): chr18:10,800,428, G>C on the plus strand (C>G on the coding strand, the complement: PIEZO2 is on the minus strand). VCF-style: chr18-10800428-G-C. GRCh37 (hg19) VCF-style: chr18-10800426-G-C.
Other names: c.1287C>G, p.Ile429Met (NM_001410871.1, NM_022068.4); short protein forms I429M.
Identifiers: ClinVar variation 3363226 (VCV003363226.1).